The following is an entry in ClinVar:

ClinVar aggregate classification (germline): Likely benign (1 of 4 stars; one submission).

Allele frequency attached by ClinVar (database versions not stated): ExAC 0.00001.

Submission:

CeGaT Center for Human Genetics Tuebingen
Classification: Likely benign. Last evaluated: 2023-08-01. Review status: criteria provided, single submitter. Criteria: CeGaT Center For Human Genetics Tuebingen Variant Classification Criteria Version 2. Collection method: clinical testing. Allele origin: germline. Affected: yes. Observed: 1 variant allele.
Comment: HLA-DRB1: BP4, BP7

NM_002124.4(HLA-DRB1):c.402G>A (p.Lys134=)

Gene: HLA-DRB1 (major histocompatibility complex, class II, DR beta 1; minus strand). Cytogenetic location: 6p21.32.
Variant type: single nucleotide variant.
Coding change: c.402G>A on transcript NM_002124.4 (MANE Select); coding-DNA position 402, G replaced by A.
Protein change: p.Lys134=; no amino-acid change (lysine 134 retained).
Molecular consequence: synonymous variant.
Genome position (GRCh38, 1-based): chr6:32,581,807, C>T on the plus strand (G>A on the coding strand, the complement: HLA-DRB1 is on the minus strand). VCF-style: chr6-32581807-C-T. GRCh37 (hg19) VCF-style: chr6-32549584-C-T.
Identifiers: ClinVar variation 2656460 (VCV002656460.24), dbSNP rs200078051, ClinGen allele CA3743015.